The following is an entry in ClinVar:

ClinVar aggregate classification (germline): Uncertain significance (1 of 4 stars; one submission).

Submission:

GeneDx
Classification: Uncertain significance. Last evaluated: 2021-01-07. Review status: criteria provided, single submitter. Criteria: GeneDx Variant Classification Process June 2021. Collection method: clinical testing. Allele origin: germline. Affected: yes.
Comment: Not observed in large population cohorts (Lek et al., 2016); In-silico analysis, which includes splice predictors and evolutionary conservation, is inconclusive as to whether the variant alters gene splicing. In the absence of RNA/functional studies, the actual effect of this sequence change is unknown.; Has not been previously published as pathogenic or benign to our knowledge

NM_001164508.2(NEB):c.20577+2dup

Gene: NEB (nebulin; minus strand). Cytogenetic location: 2q23.3.
Variant type: Duplication.
Coding change: c.20577+2dup on transcript NM_001164508.2 (MANE Select); the canonical splice donor site of the intron after coding-DNA position 20577, one base duplicated (T; older notation c.20577+2dupT).
Molecular consequence: splice donor variant.
Genome position (GRCh38, 1-based): chr2:151,545,886, A duplicated on the plus strand (T on the coding strand, the reverse complement: NEB is on the minus strand). VCF-style (leftmost placement, unchanged base first): chr2-151545885-T-TA. GRCh37 (hg19) VCF-style: chr2-152402399-T-TA.
Other names: c.15474+2dup (NM_004543.5); c.20577+2dup (NM_001164507.2, NM_001271208.2).
Identifiers: ClinVar variation 1313973 (VCV001313973.2), dbSNP rs2153603722, ClinGen allele CA2573051665.